The following is an entry in ClinVar:

ClinVar aggregate classification (germline): Uncertain significance (1 of 4 stars; one submission).

gnomAD v4.1: 3 of 1,614,146 alleles (0.00019%); highest among the groups gnomAD compares: Admixed American, 0.005%; no homozygotes.

Submission:

Labcorp Genetics (formerly Invitae), Labcorp
Classification: Uncertain significance. Last evaluated: 2025-09-05. Review status: criteria provided, single submitter. Criteria: Invitae Variant Classification Sherloc (09022015). Collection method: clinical testing. Allele origin: germline.
Comment: This sequence change replaces lysine, which is basic and polar, with glutamine, which is neutral and polar, at codon 179 of the P2RY12 protein (p.Lys179Gln). This variant is present in population databases (rs780654645, gnomAD 0.009%). This variant has not been reported in the literature in individuals affected with P2RY12-related conditions. An algorithm developed to predict the effect of missense changes on protein structure and function (PolyPhen-2) suggests that this variant is likely to be disruptive. In summary, the available evidence is currently insufficient to determine the role of this variant in disease. Therefore, it has been classified as a Variant of Uncertain Significance.

NM_022788.5(P2RY12):c.535A>C (p.Lys179Gln)

Genes: P2RY12 (purinergic receptor P2Y12; minus strand), MED12L (mediator complex subunit 12L; plus strand). Cytogenetic location: 3q25.1.
Variant type: single nucleotide variant.
Coding change: c.535A>C on transcript NM_022788.5 (MANE Select); coding-DNA position 535, A replaced by C.
Protein change: p.Lys179Gln; replaces lysine 179 with glutamine.
Molecular consequence: missense variant. On other transcripts: intron variant (2).
Genome position (GRCh38, 1-based): chr3:151,338,311, T>G on the plus strand (A>C on the coding strand, the complement: P2RY12 is on the minus strand). VCF-style: chr3-151338311-T-G. GRCh37 (hg19) VCF-style: chr3-151056099-T-G.
Other names: c.535A>C, p.Lys179Gln (NM_176876.3); c.2251-11748T>G (NM_001393769.1); c.2146-11748T>G (NM_053002.6); short protein forms K179Q.
Identifiers: ClinVar variation 4708716 (VCV004708716.1).